The following is an entry in ClinVar:

NM_001202.6(BMP4):c.521G>A (p.Gly174Asp)

Gene: BMP4 (bone morphogenetic protein 4; minus strand). Cytogenetic location: 14q22.2.
Variant type: single nucleotide variant.
Coding change: c.521G>A on transcript NM_001202.6 (MANE Select); coding-DNA position 521, G replaced by A.
Protein change: p.Gly174Asp; replaces glycine 174 with aspartic acid.
Molecular consequence: missense variant.
Genome position (GRCh38, 1-based): chr14:53,950,738, C>T on the plus strand (G>A on the coding strand, the complement: BMP4 is on the minus strand). VCF-style: chr14-53950738-C-T. GRCh37 (hg19) VCF-style: chr14-54417456-C-T.
Other names: c.521G>A (NM_001202.3); c.662G>A, p.Gly221Asp (NM_001347912.1); c.332G>A, p.Gly111Asp (NM_001347913.2, NM_001347915.2, NM_001347917.1); c.521G>A, p.Gly174Asp (NM_001347914.2, NM_001347916.1, NM_130850.5 and 1 more transcripts); short protein forms G174D, G111D, G221D.
Identifiers: ClinVar variation 2939091 (VCV002939091.4), dbSNP rs1252264079, ClinGen allele CA389784519.

ClinVar aggregate classification (germline): Uncertain significance. Review status: criteria provided, multiple submitters, no conflicts (2 of 4 stars). 2 submissions from 2 submitters: Uncertain significance (2). Last evaluated 2025-08-04.

Conditions:
Inborn genetic diseases. Identifiers: MedGen C0950123, MeSH D030342.
Orofacial cleft 11 (OFC11). Also called: Orofacial cleft 11; ofc11; CLEFT LIP WITH OR WITHOUT CLEFT PALATE, NONSYNDROMIC, 11. Identifiers: MedGen C2677434, MONDO:0010906, OMIM 600625.
Microphthalmia with brain and digit anomalies (MCOPS6). Also called: Microphthalmia, syndromic 6; MICROPHTHALMIA AND PITUITARY ANOMALIES. Identifiers: Orphanet 139471, MedGen C1864689, MONDO:0011936, OMIM 607932.

Submissions (2):

Labcorp Genetics (formerly Invitae), Labcorp
Classification: Uncertain significance for Microphthalmia with brain and digit anomalies; Orofacial cleft 11. Last evaluated: 2025-08-04. Review status: criteria provided, single submitter. Criteria: Invitae Variant Classification Sherloc (09022015). Collection method: clinical testing. Allele origin: germline.
Comment: This sequence change replaces glycine, which is neutral and non-polar, with aspartic acid, which is acidic and polar, at codon 174 of the BMP4 protein (p.Gly174Asp). This variant is not present in population databases (gnomAD no frequency). This variant has not been reported in the literature in individuals affected with BMP4-related conditions. ClinVar contains an entry for this variant (Variation ID: 2939091). Invitae Evidence Modeling of protein sequence and biophysical properties (such as structural, functional, and spatial information, amino acid conservation, physicochemical variation, residue mobility, and thermodynamic stability) indicates that this missense variant is not expected to disrupt BMP4 protein function with a negative predictive value of 80%. In summary, the available evidence is currently insufficient to determine the role of this variant in disease. Therefore, it has been classified as a Variant of Uncertain Significance.

Ambry Genetics
Classification: Uncertain significance for Inborn genetic diseases. Last evaluated: 2025-01-27. Review status: criteria provided, single submitter. Criteria: Ambry Variant Classification Scheme 2023. Collection method: clinical testing. Allele origin: germline.